The following is an entry in ClinVar:

NM_001303256.3(MORC2):c.405T>C (p.His135=)

Gene: MORC2 (MORC family CW-type zinc finger 2; minus strand). Cytogenetic location: 22q12.2.
Variant type: single nucleotide variant.
Coding change: c.405T>C on transcript NM_001303256.3 (MANE Select); coding-DNA position 405, T replaced by C.
Protein change: p.His135=; no amino-acid change (histidine 135 retained).
Molecular consequence: synonymous variant.
Genome position (GRCh38, 1-based): chr22:30,946,362, A>G on the plus strand (T>C on the coding strand, the complement: MORC2 is on the minus strand). VCF-style: chr22-30946362-A-G. GRCh37 (hg19) VCF-style: chr22-31342349-A-G.
Other names: c.405T>C, p.His135= (NM_001303257.2); c.219T>C, p.His73= (NM_014941.3).
Identifiers: ClinVar variation 706578 (VCV000706578.53), dbSNP rs144582460, ClinGen allele CA10187267.
Genomic context (GRCh38, chr22:30,946,362, plus strand): 5'-ATGAGGACTGGTGATGCAGACCACGATGATGGGACCTACTTCATCAATGCCTTCTTCCTC[A>G]TGAAACGTGCGAGACAGGAAGAGGCAGGTCATGGTGTCTTCCTTCTTGGTGAACAGGATA-3'
Protein context (NP_001290185.1, residues 125-145): MTCLFLSRTF[His135=]EEEGIDEVIV

ClinVar aggregate classification (germline): Benign/Likely benign. Review status: criteria provided, multiple submitters, no conflicts (2 of 4 stars). 4 submissions from 4 submitters: Benign (1); Likely benign (3). Last evaluated 2026-08-01.

Conditions:
Charcot-Marie-Tooth disease axonal type 2Z. Also called: CHARCOT-MARIE-TOOTH DISEASE, AXONAL, AUTOSOMAL DOMINANT, TYPE 2Z; CHARCOT-MARIE-TOOTH NEUROPATHY, TYPE 2Z. Identifiers: Orphanet 466768, MedGen C5569025, MONDO:0014736, OMIM 616688.
MORC2-related disorder. Also called: MORC2-related condition.

Allele frequency attached by ClinVar (database versions not stated): gnomAD 0.00009 and 0.00012; TOPMed 0.00014; ESP Exome Variant Server 0.00015; 1000 Genomes Project 0.00060; 1000 Genomes Project 30x 0.00062.
gnomAD v4.1: 256 of 1,609,956 alleles (0.016%); highest among the groups gnomAD compares: Admixed American, 0.03%; no homozygotes.

Submissions (4):

CeGaT Center for Human Genetics Tuebingen
Classification: Likely benign. Last evaluated: 2026-08-01. Review status: criteria provided, single submitter. Criteria: CeGaT Center For Human Genetics Tuebingen Variant Classification Criteria Version 2. Collection method: clinical testing. Allele origin: germline. Affected: yes. Observed: 2 variant alleles.
Comment: MORC2: BP4, BP7

PreventionGenetics, part of Exact Sciences
Classification: Likely benign for MORC2-related condition. Last evaluated: 2025-12-30. Review status: criteria provided, single submitter. Criteria: ACMG Guidelines, 2015. Collection method: clinical testing. Allele origin: germline.
Comment: This variant is classified as likely benign based on ACMG/AMP sequence variant interpretation guidelines (Richards et al. 2015 PMID: 25741868, with internal and published modifications).

Women's Health and Genetics/Laboratory Corporation of America, LabCorp
Classification: Benign. Last evaluated: 2025-10-28. Review status: criteria provided, single submitter. Criteria: LabCorp Variant Classification Summary - May 2015. Collection method: clinical testing. Allele origin: germline.

Labcorp Genetics (formerly Invitae), Labcorp
Classification: Likely benign for Charcot-Marie-Tooth disease axonal type 2Z. Last evaluated: 2025-09-16. Review status: criteria provided, single submitter. Criteria: Invitae Variant Classification Sherloc (09022015). Collection method: clinical testing. Allele origin: germline.